The following is an entry in ClinVar:

NM_000202.8(IDS):c.1112del (p.Pro371fs)

Genes: IDS (iduronate 2-sulfatase; minus strand), LOC106050102 (IDS recombination region; plus strand). Cytogenetic location: Xq28.
Variant type: Deletion.
Coding change: c.1112del on transcript NM_000202.8 (MANE Select); coding-DNA position 1112, one base deleted (C; older notation c.1112delC).
Protein change: p.Pro371fs; shifts the reading frame from proline 371.
Molecular consequence: frameshift variant.
Genome position (GRCh38, 1-based): chrX:149,486,993, G deleted on the plus strand (C on the coding strand, the reverse complement: IDS is on the minus strand); the first of 2 consecutive G bases (chrX:149,486,993-149,486,994); deleting either gives the same sequence. VCF-style (leftmost placement, unchanged base first): chrX-149486992-CG-C. GRCh37 (hg19) VCF-style: chrX-148568523-CG-C.
Other names: c.842del, p.Pro281fs (NM_001166550.4); short protein forms P281fs, P371fs.
Identifiers: ClinVar variation 3255968 (VCV003255968.2).

ClinVar aggregate classification (germline): Likely pathogenic (1 of 4 stars; one submission).

Conditions:
Mucopolysaccharidosis, MPS-II (MPS2). Also called: Hunter Syndrome; IDURONATE 2-SULFATASE DEFICIENCY; Mucopolysaccharidosis Type II; Mucopolysaccharidosis type 2; Attenuated MPS (subtype; formerly known as mild MPS II); Severe MPS II. Identifiers: Orphanet 580, Orphanet 79388, MedGen C0026705, MONDO:0010674, OMIM 309900.

Submission:

Laboratory of Diagnosis and Therapy of Lysosomal Disorders, University of Padova
Classification: Likely pathogenic for Mucopolysaccharidosis, MPS-II. Last evaluated: 2024-06-07. Review status: criteria provided, single submitter. Criteria: ACMG Guidelines, 2015. Collection method: literature only. Allele origin: germline. Affected: yes. Observed: 1 variant allele.
Comment: Null variant (PVS1_Strong), Absent from controls (or at low frequency) in gnomAD database (PM2_Moderate), Patient’s phenotype or family history highly specific for the disease (PP4_Moderate)

Classification method: ACMG Guidelines [PMID:25741868] with modifications

Literature cited by the submitters: PubMed 21291454.